The following is an entry in ClinVar:

ClinVar aggregate classification (germline): Uncertain significance (1 of 4 stars; one submission).

Allele frequency attached by ClinVar (database versions not stated): gnomAD exomes below 0.00001; ExAC 0.00001; gnomAD 0.00001; ESP Exome Variant Server 0.00008.
gnomAD v4.1: 4 of 1,605,136 alleles (0.00025%); highest among the groups gnomAD compares: African/African-American, 0.0013%; no homozygotes.

Submission:

Labcorp Genetics (formerly Invitae), Labcorp
Classification: Uncertain significance. Last evaluated: 2023-06-19. Review status: criteria provided, single submitter. Criteria: Invitae Variant Classification Sherloc (09022015). Collection method: clinical testing. Allele origin: germline.
Comment: This variant has not been reported in the literature in individuals affected with AP3D1-related conditions. In summary, the available evidence is currently insufficient to determine the role of this variant in disease. Therefore, it has been classified as a Variant of Uncertain Significance. Algorithms developed to predict the effect of sequence changes on RNA splicing suggest that this variant may create or strengthen a splice site. ClinVar contains an entry for this variant (Variation ID: 1429685). The frequency data for this variant in the population databases is considered unreliable, as metrics indicate poor data quality at this position in the gnomAD database. This sequence change falls in intron 21 of the AP3D1 gene. It does not directly change the encoded amino acid sequence of the AP3D1 protein.

NM_001261826.3(AP3D1):c.2424-17G>A

Gene: AP3D1 (adaptor related protein complex 3 subunit delta 1; minus strand). Cytogenetic location: 19p13.3.
Variant type: single nucleotide variant.
Coding change: c.2424-17G>A on transcript NM_001261826.3 (MANE Select); 17 bases into the intron before coding-DNA position 2424, G replaced by A.
Molecular consequence: intron variant.
Genome position (GRCh38, 1-based): chr19:2,114,319, C>T on the plus strand (G>A on the coding strand, the complement: AP3D1 is on the minus strand). VCF-style: chr19-2114319-C-T. GRCh37 (hg19) VCF-style: chr19-2114318-C-T.
Other names: c.2424-17G>A (NM_003938.8, NM_001374799.1).
Identifiers: ClinVar variation 1429685 (VCV001429685.8), dbSNP rs367836643, ClinGen allele CA9058858.